The following is an entry in ClinVar:

NM_001142800.2(EYS):c.8674G>A (p.Val2892Ile)

Genes: EYS (EGF-like photoreceptor maintenance factor; minus strand), PHF3 (PHD finger protein 3; plus strand). Cytogenetic location: 6q12.
Variant type: single nucleotide variant.
Coding change: c.8674G>A on transcript NM_001142800.2 (MANE Select); coding-DNA position 8674, G replaced by A.
Protein change: p.Val2892Ile; replaces valine 2892 with isoleucine.
Molecular consequence: missense variant. On other transcripts: 3 prime UTR variant (5).
Genome position (GRCh38, 1-based): chr6:63,721,357, C>T on the plus strand (G>A on the coding strand, the complement: EYS is on the minus strand). VCF-style: chr6-63721357-C-T. GRCh37 (hg19) VCF-style: chr6-64431253-C-T.
Other names: c.*7649C>T (NM_001290259.2, NM_001370348.2, NM_001370349.2 and 2 more transcripts); c.8737G>A, p.Val2913Ile (NM_001292009.2); short protein forms V2892I, V2913I.
Identifiers: ClinVar variation 493435 (VCV000493435.45), dbSNP rs1326290203, ClinGen allele CA364384233.
Genomic context (GRCh38, chr6:63,721,357, plus strand): 5'-GGTTACATGTATTTCCAGCCCAATCTGGCAAACATCTGCAAGAAAAAGTTGTGCCATTTA[C>T]TGTACATTCACCTCCATTTCTGCATGTGTTGTACCCACAGGCTGTCCCATCACAGTCACC-3'
Protein context (NP_001136272.1, residues 2882-2902): NTCRNGGECT[Val2892Ile]NGTTFSCRCL

ClinVar aggregate classification (germline): Uncertain significance. Review status: criteria provided, multiple submitters, no conflicts (2 of 4 stars). 2 submissions from 2 submitters: Uncertain significance (2). Last evaluated 2025-04-08.

Allele frequency attached by ClinVar (database versions not stated): TOPMed below 0.00001; gnomAD 0.00001; gnomAD exomes 0.00002.
gnomAD v4.1: 28 of 1,551,812 alleles (0.0018%); highest among the groups gnomAD compares: East Asian, 0.0024%; no homozygotes.

Submissions (2):

Labcorp Genetics (formerly Invitae), Labcorp
Classification: Uncertain significance. Last evaluated: 2025-04-08. Review status: criteria provided, single submitter. Criteria: Invitae Variant Classification Sherloc (09022015). Collection method: clinical testing. Allele origin: germline.
Comment: This sequence change replaces valine, which is neutral and non-polar, with isoleucine, which is neutral and non-polar, at codon 2892 of the EYS protein (p.Val2892Ile). This variant is present in population databases (no rsID available, gnomAD 0.01%). This variant has not been reported in the literature in individuals affected with EYS-related conditions. ClinVar contains an entry for this variant (Variation ID: 493435). Invitae Evidence Modeling of protein sequence and biophysical properties (such as structural, functional, and spatial information, amino acid conservation, physicochemical variation, residue mobility, and thermodynamic stability) has been performed for this missense variant. However, the output from this modeling did not meet the statistical confidence thresholds required to predict the impact of this variant on EYS protein function. In summary, the available evidence is currently insufficient to determine the role of this variant in disease. Therefore, it has been classified as a Variant of Uncertain Significance.

CeGaT Center for Human Genetics Tuebingen
Classification: Uncertain significance. Last evaluated: 2017-10-01. Review status: criteria provided, single submitter. Criteria: CeGaT Center For Human Genetics Tuebingen Variant Classification Criteria Version 2. Collection method: clinical testing. Allele origin: germline. Affected: yes. Observed: 1 variant allele.